The following is an entry in ClinVar:

ClinVar aggregate classification (germline): Benign/Likely benign. Review status: criteria provided, multiple submitters, no conflicts (2 of 4 stars). 3 submissions from 3 submitters: Benign (1); Likely benign (2). Last evaluated 2026-06-12.

Conditions:
Inborn genetic diseases. Identifiers: MedGen C0950123, MeSH D030342.
Tumor predisposition syndrome 2 (TPDS2). Also called: MBD4-ASSOCIATED NEOPLASIA SYNDROME; MBD4-Related Tumor Predisposition Syndrome; MBD4-associated neoplasia syndrome (MANS). Identifiers: Orphanet 661526, MedGen C5774186, MONDO:0859267, OMIM 619975.

Allele frequency attached by ClinVar (database versions not stated): gnomAD exomes below 0.00001; TOPMed below 0.00001; ExAC 0.00002.

Submissions (3):

Myriad Genetics, Inc.
Classification: Benign for Tumor predisposition syndrome 2. Last evaluated: 2026-06-12. Review status: criteria provided, single submitter. Criteria: Myriad Autosomal Dominant, Autosomal Recessive and X-Linked Classification Criteria (2023). Collection method: clinical testing. Allele origin: unknown.
Comment: This variant is considered benign. This variant is a silent/synonymous amino acid change and it is not expected to impact splicing.

Ambry Genetics
Classification: Likely benign for Inborn genetic diseases. Last evaluated: 2024-12-20. Review status: criteria provided, single submitter. Criteria: Ambry Variant Classification Scheme 2023. Collection method: clinical testing. Allele origin: germline.

Labcorp Genetics (formerly Invitae), Labcorp
Classification: Likely benign. Last evaluated: 2023-12-30. Review status: criteria provided, single submitter. Criteria: Invitae Variant Classification Sherloc (09022015). Collection method: clinical testing. Allele origin: germline.

NM_001276270.2(MBD4):c.1602T>C (p.Tyr534=)

Gene: MBD4 (methyl-CpG binding domain 4, DNA glycosylase; minus strand). Cytogenetic location: 3q21.3.
Variant type: single nucleotide variant.
Coding change: c.1602T>C on transcript NM_001276270.2 (MANE Select); coding-DNA position 1602, T replaced by C.
Protein change: p.Tyr534=; no amino-acid change (tyrosine 534 retained).
Molecular consequence: synonymous variant. On other transcripts: intron variant (1).
Genome position (GRCh38, 1-based): chr3:129,432,548, A>G on the plus strand (T>C on the coding strand, the complement: MBD4 is on the minus strand). VCF-style: chr3-129432548-A-G. GRCh37 (hg19) VCF-style: chr3-129151391-A-G.
Other names: c.1620T>C, p.Tyr540= (NM_001276271.2, NM_003925.3); c.666T>C, p.Tyr222= (NM_001276273.2); c.1612+8T>C (NM_001276272.2).
Identifiers: ClinVar variation 2902094 (VCV002902094.5), dbSNP rs763443232, ClinGen allele CA2605250.
Genomic context (GRCh38, chr3:129,432,548, plus strand): 5'-GGGAGTGAGCCTCACCTGCTTCCACTCATTGACACAAAAAATTCGGTAAGAGTCGTTGCC[A>G]TATTTACCAATCCCATGAAGCTCAATTGGATACTTCCACTGCTTTGTCAGGTATTCATCT-3'
Protein context (NP_001263199.1, residues 524-544): YPIELHGIGK[Tyr534=]GNDSYRIFCV